The following is an entry in ClinVar:

NM_002519.3(NPAT):c.1279G>C (p.Ala427Pro)

Gene: NPAT (nuclear protein, coactivator of histone transcription; minus strand). Cytogenetic location: 11q22.3.
Variant type: single nucleotide variant.
Coding change: c.1279G>C on transcript NM_002519.3 (MANE Select); coding-DNA position 1279, G replaced by C.
Protein change: p.Ala427Pro; replaces alanine 427 with proline.
Molecular consequence: missense variant.
Genome position (GRCh38, 1-based): chr11:108,173,705, C>G on the plus strand (G>C on the coding strand, the complement: NPAT is on the minus strand). VCF-style: chr11-108173705-C-G. GRCh37 (hg19) VCF-style: chr11-108044432-C-G.
Other names: c.1279G>C, p.Ala427Pro (NM_001321307.1); short protein forms A427P.
Identifiers: ClinVar variation 1767405 (VCV001767405.2), dbSNP rs748820751, ClinGen allele CA6264029.

ClinVar aggregate classification (germline): Uncertain significance (1 of 4 stars; one submission).

gnomAD v4.1: 2 of 1,614,144 alleles (0.00012%); highest among the groups gnomAD compares: South Asian, 0.0022%; no homozygotes.

Submission:

Ambry Genetics
Classification: Uncertain significance. Last evaluated: 2022-02-22. Review status: criteria provided, single submitter. Criteria: Ambry Variant Classification Scheme 2023. Collection method: clinical testing. Allele origin: germline.
Comment: The p.A427P variant (also known as c.1279G>C), located in coding exon 13 of the NPAT gene, results from a G to C substitution at nucleotide position 1279. The alanine at codon 427 is replaced by proline, an amino acid with highly similar properties. This amino acid position is conserved. In addition, this alteration is predicted to be tolerated by in silico analysis. Since supporting evidence is limited at this time, the clinical significance of this alteration remains unclear.